The following is an entry in ClinVar:

ClinVar aggregate classification (germline): Conflicting classifications of pathogenicity. Review status: criteria provided, conflicting classifications (1 of 4 stars). 3 submissions from 3 submitters: Uncertain significance (1); Benign (1); Likely benign (1). Last evaluated 2025-08-07.

Conditions:
Hereditary cancer-predisposing syndrome. Also called: Hereditary Cancer Syndrome; Hereditary neoplastic syndrome; Neoplastic Syndromes, Hereditary; Tumor predisposition. Identifiers: Orphanet 140162, MedGen C0027672, MeSH D009386, MONDO:0015356.
Gastrointestinal stromal tumor. Also called: Gastrointestinal stromal tumor, somatic; Gastrointestinal stroma tumor. Identifiers: Orphanet 44890, MedGen C0238198, MeSH D046152, MONDO:0011719, OMIM 606764, HP:0100723.

Allele frequency attached by ClinVar (database versions not stated): ExAC 0.00001; gnomAD 0.00001; gnomAD exomes 0.00001.
gnomAD v4.1: 14 of 1,184,382 alleles (0.0012%); highest among the groups gnomAD compares: South Asian, 0.015%; 1 homozygote.

Submissions (3):

Labcorp Genetics (formerly Invitae), Labcorp
Classification: Uncertain significance for Gastrointestinal stromal tumor. Last evaluated: 2025-08-07. Review status: criteria provided, single submitter. Criteria: Invitae Variant Classification Sherloc (09022015). Collection method: clinical testing. Allele origin: germline.
Comment: This sequence change falls in intron 16 of the PDGFRA gene. It does not directly change the encoded amino acid sequence of the PDGFRA protein. It affects a nucleotide within the consensus splice site. This variant is present in population databases (rs778036627, gnomAD 0.01%). This variant has not been reported in the literature in individuals affected with PDGFRA-related conditions. ClinVar contains an entry for this variant (Variation ID: 3023828). Variants that disrupt the consensus splice site are a relatively common cause of aberrant splicing (PMID: 17576681, 9536098). Algorithms developed to predict the effect of sequence changes on RNA splicing suggest that this variant is not likely to affect RNA splicing. In summary, the available evidence is currently insufficient to determine the role of this variant in disease. Therefore, it has been classified as a Variant of Uncertain Significance.

CeGaT Center for Human Genetics Tuebingen
Classification: Likely benign. Last evaluated: 2025-07-01. Review status: criteria provided, single submitter. Criteria: CeGaT Center For Human Genetics Tuebingen Variant Classification Criteria Version 2. Collection method: clinical testing. Allele origin: germline. Affected: yes. Observed: 1 variant allele.
Comment: PDGFRA: BP4

Ambry Genetics
Classification: Benign for Hereditary cancer-predisposing syndrome. Last evaluated: 2024-10-28. Review status: criteria provided, single submitter. Criteria: Ambry Variant Classification Scheme 2023. Collection method: clinical testing. Allele origin: germline.

Literature cited by the submitters: PubMed 17576681 (cited by Labcorp Genetics (formerly Invitae), Labcorp); PubMed 9536098 (cited by Labcorp Genetics (formerly Invitae), Labcorp).

NM_006206.6(PDGFRA):c.2324-3C>T

Gene: PDGFRA (platelet derived growth factor receptor alpha; plus strand). Cytogenetic location: 4q12.
Variant type: single nucleotide variant.
Coding change: c.2324-3C>T on transcript NM_006206.6 (MANE Select); 3 bases into the intron before coding-DNA position 2324, C replaced by T.
Molecular consequence: intron variant.
Genome position (GRCh38, 1-based): chr4:54,285,368, C>T. VCF-style: chr4-54285368-C-T. GRCh37 (hg19) VCF-style: chr4-55151535-C-T.
Other names: c.2399-3C>T (NM_001347828.2); c.2324-3C>T (NM_001347829.2, NM_006206.4); c.2363-3C>T (NM_001347830.2).
Identifiers: ClinVar variation 3023828 (VCV003023828.12), dbSNP rs778036627, ClinGen allele CA2922838.
Genomic context (GRCh38, chr4:54,285,368, plus strand): 5'-CTCTGCAACCTGATGATTTCCTGCTGCCTGCCAGCACCAATACATTTAATTTCTTTTCTG[C>T]AGACTCAGAAGTCAAAAACCTCCTTTCAGATGATAACTCAGAAGGCCTTACTTTATTGGA-3'